The following is an entry in ClinVar:

ClinVar aggregate classification (germline): Uncertain significance. Review status: criteria provided, multiple submitters, no conflicts (2 of 4 stars). 2 submissions from 2 submitters: Uncertain significance (2). Last evaluated 2025-01-07.

Conditions:
Saldino-Mainzer syndrome (SRTD9). Also called: CONORENAL SYNDROME; Renal dysplasia, retinal pigmentary dystrophy, cerebellar ataxia and skeletal dysplasia; SHORT-RIB THORACIC DYSPLASIA 9 WITHOUT POLYDACTYLY; short-rib thoracic dysplasia 9 with or without polydactyly. Identifiers: Orphanet 140969, MedGen C1849437, MONDO:0009964, OMIM 266920.
Retinitis pigmentosa 80 (RP80). Identifiers: MedGen C4540439, MONDO:0054708, OMIM 617781.

Allele frequency attached by ClinVar (database versions not stated): gnomAD 0.00002 and 0.00003; ExAC 0.00006.
gnomAD v4.1: 51 of 1,558,082 alleles (0.0033%); highest among the groups gnomAD compares: Non-Finnish European, 0.0043%; no homozygotes.

Submissions (2):

Labcorp Genetics (formerly Invitae), Labcorp
Classification: Uncertain significance for Saldino-Mainzer syndrome. Last evaluated: 2025-01-07. Review status: criteria provided, single submitter. Criteria: Invitae Variant Classification Sherloc (09022015). Collection method: clinical testing. Allele origin: germline.
Comment: This sequence change replaces alanine, which is neutral and non-polar, with threonine, which is neutral and polar, at codon 915 of the IFT140 protein (p.Ala915Thr). The frequency data for this variant in the population databases is considered unreliable, as metrics indicate poor data quality at this position in the gnomAD database. This variant has not been reported in the literature in individuals affected with IFT140-related conditions. ClinVar contains an entry for this variant (Variation ID: 1396263). Invitae Evidence Modeling of protein sequence and biophysical properties (such as structural, functional, and spatial information, amino acid conservation, physicochemical variation, residue mobility, and thermodynamic stability) indicates that this missense variant is not expected to disrupt IFT140 protein function with a negative predictive value of 95%. In summary, the available evidence is currently insufficient to determine the role of this variant in disease. Therefore, it has been classified as a Variant of Uncertain Significance.

Fulgent Genetics
Classification: Uncertain significance for Saldino-Mainzer syndrome; Retinitis pigmentosa 80. Last evaluated: 2024-02-29. Review status: criteria provided, single submitter. Criteria: ACMG Guidelines, 2015. Collection method: clinical testing. Allele origin: germline.

NM_014714.4(IFT140):c.2743G>A (p.Ala915Thr)

Gene: IFT140 (intraflagellar transport 140; minus strand). Cytogenetic location: 16p13.3.
Variant type: single nucleotide variant.
Coding change: c.2743G>A on transcript NM_014714.4 (MANE Select); coding-DNA position 2743, G replaced by A.
Protein change: p.Ala915Thr; replaces alanine 915 with threonine.
Molecular consequence: missense variant.
Genome position (GRCh38, 1-based): chr16:1,525,912, C>T on the plus strand (G>A on the coding strand, the complement: IFT140 is on the minus strand). VCF-style: chr16-1525912-C-T. GRCh37 (hg19) VCF-style: chr16-1575913-C-T.
Other names: short protein forms A915T.
Identifiers: ClinVar variation 1396263 (VCV001396263.6), dbSNP rs529397200, ClinGen allele CA7813512.